The following is an entry in ClinVar:

NM_000030.3(AGXT):c.215A>T (p.Asn72Ile)

Gene: AGXT (alanine--glyoxylate aminotransferase; plus strand). Cytogenetic location: 2q37.3.
Variant type: single nucleotide variant.
Coding change: c.215A>T on transcript NM_000030.3 (MANE Select); coding-DNA position 215, A replaced by T.
Protein change: p.Asn72Ile; replaces asparagine 72 with isoleucine.
Molecular consequence: missense variant.
Genome position (GRCh38, 1-based): chr2:240,869,219, A>T. VCF-style: chr2-240869219-A-T. GRCh37 (hg19) VCF-style: chr2-241808636-A-T.
Other names: c.215A>T (NM_000030.2); short protein forms N72I.
Identifiers: ClinVar variation 1378865 (VCV001378865.8), dbSNP rs113879010, ClinGen allele CA351313452.

ClinVar aggregate classification (germline): Pathogenic/Likely pathogenic. Review status: criteria provided, multiple submitters, no conflicts (2 of 4 stars). 3 submissions from 3 submitters: Pathogenic (2); Likely pathogenic (1). Last evaluated 2024-06-25.

Conditions:
Primary hyperoxaluria, type I (HP1). Also called: OXALOSIS I; Primary hyperoxaluria type 1; GLYCOLIC ACIDURIA; HEPATIC AGT DEFICIENCY. Identifiers: Orphanet 416, Orphanet 93598, MedGen C0268164, MONDO:0009823, OMIM 259900. Disease mechanism: loss of function.

Allele frequency attached by ClinVar (database versions not stated): gnomAD exomes 0.00001.

Submissions (3):

Natera, Inc.
Classification: Pathogenic for Primary hyperoxaluria type I. Last evaluated: 2024-06-25. Review status: criteria provided, single submitter. Criteria: Natera Variant Classification Schema (03/2026). Collection method: clinical testing. Allele origin: germline.
Comment: The c.215A>T variant in AGXT is a missense variant predicted to cause substitution of asparagine to isoleucine at amino acid 72. This variant is rare in the general population with a frequency below the threshold expected for the associated phenotype(s). This variant has been observed in one or more individuals affected with the associated recessive disease, as either homozygous or compound heterozygous with a second variant (PMID: 33721035, 31215412, 27644547). Additionally, this variant has been observed to segregate in affected family members (PMID: 27644547). Computational prediction algorithms indicate this variant is likely to affect gene or protein function. Given the available evidence, this variant is classified as Pathogenic.

Baylor Genetics
Classification: Likely pathogenic for Primary hyperoxaluria, type I. Last evaluated: 2023-09-22. Review status: criteria provided, single submitter. Criteria: ACMG Guidelines, 2015. Collection method: clinical testing. Allele origin: unknown.

Labcorp Genetics (formerly Invitae), Labcorp
Classification: Pathogenic. Last evaluated: 2023-07-30. Review status: criteria provided, single submitter. Criteria: Invitae Variant Classification Sherloc (09022015). Collection method: clinical testing. Allele origin: germline.
Comment: This variant is present in population databases (no rsID available, gnomAD 0.01%). This sequence change replaces asparagine, which is neutral and polar, with isoleucine, which is neutral and non-polar, at codon 72 of the AGXT protein (p.Asn72Ile). This missense change has been observed in individual(s) with primary hyperoxaluria (PMID: 27644547). In at least one individual the data is consistent with being in trans (on the opposite chromosome) from a pathogenic variant. It has also been observed to segregate with disease in related individuals. ClinVar contains an entry for this variant (Variation ID: 1378865). Advanced modeling of protein sequence and biophysical properties (such as structural, functional, and spatial information, amino acid conservation, physicochemical variation, residue mobility, and thermodynamic stability) performed at Invitae indicates that this missense variant is expected to disrupt AGXT protein function. For these reasons, this variant has been classified as Pathogenic.

Literature cited by the submitters: PubMed 33721035 (cited by Natera, Inc.); PubMed 31215412 (cited by Natera, Inc.); PubMed 27644547 (cited by Natera, Inc. and Labcorp Genetics (formerly Invitae), Labcorp).